The following is an entry in ClinVar:

NM_032043.3(BRIP1):c.2329C>G (p.Arg777Gly)

Gene: BRIP1 (BRCA1 interacting DNA helicase 1; minus strand). Cytogenetic location: 17q23.2.
Variant type: single nucleotide variant.
Coding change: c.2329C>G on transcript NM_032043.3 (MANE Select); coding-DNA position 2329, C replaced by G.
Protein change: p.Arg777Gly; replaces arginine 777 with glycine.
Molecular consequence: missense variant.
Genome position (GRCh38, 1-based): chr17:61,743,063, G>C on the plus strand (C>G on the coding strand, the complement: BRIP1 is on the minus strand). VCF-style: chr17-61743063-G-C. GRCh37 (hg19) VCF-style: chr17-59820424-G-C.
Other names: short protein forms R777G.
Identifiers: ClinVar variation 573953 (VCV000573953.18), dbSNP rs768555161, ClinGen allele CA8690551.

ClinVar aggregate classification (germline): Uncertain significance. Review status: criteria provided, multiple submitters, no conflicts (2 of 4 stars). 3 submissions from 3 submitters: Uncertain significance (3). Last evaluated 2025-09-09.

Conditions:
Fanconi anemia complementation group J. Also called: BRIP1-Related Fanconi Anemia. Identifiers: Orphanet 84, MedGen C1836860, MONDO:0012187, OMIM 609054.
Familial cancer of breast. Also called: BREAST CANCER, FAMILIAL; hereditary breast carcinoma; Hereditary breast cancer. Identifiers: Orphanet 227535, MedGen C0346153, MONDO:0016419, OMIM 114480. Disease mechanism: loss of function.
Hereditary cancer-predisposing syndrome. Also called: Hereditary neoplastic syndrome; Neoplastic Syndromes, Hereditary; Hereditary Cancer Syndrome; Tumor predisposition. Identifiers: Orphanet 140162, MedGen C0027672, MeSH D009386, MONDO:0015356.

Allele frequency attached by ClinVar (database versions not stated): ExAC 0.00002.

Submissions (3):

Color Diagnostics, LLC DBA Color Health
Classification: Uncertain significance for Hereditary cancer-predisposing syndrome. Last evaluated: 2025-09-09. Review status: criteria provided, single submitter. Criteria: ACMG Guidelines, 2015. Collection method: clinical testing. Allele origin: germline.
Comment: This missense variant replaces arginine with glycine at codon 777 of the BRIP1 protein. Computational prediction suggests that this variant may have deleterious impact on protein structure and function. To our knowledge, functional studies have not been reported for this variant. This variant has been reported in a breast and ovarian cancer case-control study where the variant was absent in the cases and observed in three population controls (PMID: 29368626). This variant has been identified in 3/251302 chromosomes in the general population by the Genome Aggregation Database (gnomAD). The available evidence is insufficient to determine the role of this variant in disease conclusively. Therefore, this variant is classified as a Variant of Uncertain Significance.

Ambry Genetics
Classification: Uncertain significance for Hereditary cancer-predisposing syndrome. Last evaluated: 2024-09-09. Review status: criteria provided, single submitter. Criteria: Ambry Variant Classification Scheme 2023. Collection method: clinical testing. Allele origin: germline.
Comment: The p.R777G variant (also known as c.2329C>G), located in coding exon 15 of the BRIP1 gene, results from a C to G substitution at nucleotide position 2329. The arginine at codon 777 is replaced by glycine, an amino acid with dissimilar properties. This amino acid position is highly conserved in available vertebrate species. In addition, this alteration is predicted to be deleterious by in silico analysis. Since supporting evidence is limited at this time, the clinical significance of this alteration remains unclear.

Labcorp Genetics (formerly Invitae), Labcorp
Classification: Uncertain significance for Familial cancer of breast; Fanconi anemia complementation group J. Last evaluated: 2024-01-03. Review status: criteria provided, single submitter. Criteria: Invitae Variant Classification Sherloc (09022015). Collection method: clinical testing. Allele origin: germline.
Comment: This sequence change replaces arginine, which is basic and polar, with glycine, which is neutral and non-polar, at codon 777 of the BRIP1 protein (p.Arg777Gly). This variant is present in population databases (rs768555161, gnomAD 0.003%). This variant has not been reported in the literature in individuals affected with BRIP1-related conditions. ClinVar contains an entry for this variant (Variation ID: 573953). Advanced modeling of protein sequence and biophysical properties (such as structural, functional, and spatial information, amino acid conservation, physicochemical variation, residue mobility, and thermodynamic stability) performed at Invitae indicates that this missense variant is expected to disrupt BRIP1 protein function with a positive predictive value of 80%. In summary, the available evidence is currently insufficient to determine the role of this variant in disease. Therefore, it has been classified as a Variant of Uncertain Significance.

Literature cited by the submitters: PubMed 29368626 (cited by Color Diagnostics, LLC DBA Color Health).